The following is an entry in ClinVar:

ClinVar aggregate classification (germline): Uncertain significance (1 of 4 stars; one submission).

Submission:

GeneDx
Classification: Uncertain significance. Last evaluated: 2025-07-09. Review status: criteria provided, single submitter. Criteria: GeneDx Variant Classification Process June 2021. Collection method: clinical testing. Allele origin: germline. Affected: yes.
Comment: Not observed at significant frequency in large population cohorts (gnomAD); In silico analysis supports that this missense variant has a deleterious effect on protein structure/function; Has not been previously published as pathogenic or benign to our knowledge

NM_014231.5(VAMP1):c.40G>A (p.Gly14Arg)

Genes: TAPBPL (TAP binding protein like; plus strand), VAMP1 (vesicle associated membrane protein 1; minus strand). Cytogenetic location: 12p13.31.
Variant type: single nucleotide variant.
Coding change: c.40G>A on transcript NM_014231.5 (MANE Select); coding-DNA position 40, G replaced by A.
Protein change: p.Gly14Arg; replaces glycine 14 with arginine.
Molecular consequence: missense variant.
Genome position (GRCh38, 1-based): chr12:6,466,314, C>T on the plus strand (G>A on the coding strand, the complement: VAMP1 is on the minus strand). VCF-style: chr12-6466314-C-T. GRCh37 (hg19) VCF-style: chr12-6575480-C-T.
Other names: c.40G>A, p.Gly14Arg (NM_001297438.2, NM_016830.4, NM_199245.3); short protein forms G14R.
Identifiers: ClinVar variation 4685414 (VCV004685414.1).